The following is an entry in ClinVar:

Conditions:
Breast-ovarian cancer, familial, susceptibility to, 1 (BROVCA1). Also called: BRCA1 Hereditary Breast and Ovarian Cancer; OVARIAN CANCER, SUSCEPTIBILITY TO. Identifiers: Orphanet 145, MedGen C2676676, MONDO:0011450, OMIM 604370. Disease mechanism: loss of function.

gnomAD v4.1: 1 of 1,613,804 alleles (0.000062%); highest among the groups gnomAD compares: Non-Finnish European, 0.000085%; no homozygotes.

Submission:

Brotman Baty Institute, University of Washington
No classification provided (evidence only). Condition: Breast-ovarian cancer, familial 1. Review status: no classification provided. Collection method: in vitro. Allele origin: not applicable. Functional consequence: functionally_normal.
ClinVar note: "not provided" was previously submitted as the classification for the variant. However, the classification appeared to be based only on an observation of functional data so it was converted to no classification on 2025-07-30.

NM_007294.4(BRCA1):c.51T>G (p.Ala17=)

Gene: BRCA1 (BRCA1 DNA repair associated; minus strand). Cytogenetic location: 17q21.31.
Variant type: single nucleotide variant.
Coding change: c.51T>G on transcript NM_007294.4 (MANE Select); coding-DNA position 51, T replaced by G.
Protein change: p.Ala17=; no amino-acid change (alanine 17 retained).
Molecular consequence: synonymous variant. On other transcripts: 5 prime UTR variant (136), intron variant (36).
Genome position (GRCh38, 1-based): chr17:43,124,046, A>C on the plus strand (T>G on the coding strand, the complement: BRCA1 is on the minus strand). VCF-style: chr17-43124046-A-C. GRCh37 (hg19) VCF-style: chr17-41276063-A-C.
Other names: c.-138T>G (NM_001407571.1, NM_001407853.1, NM_001407879.1 and 46 more transcripts); c.51T>G, p.Ala17= (NM_001407581.1, NM_001407582.1, NM_001407583.1 and 193 more transcripts); c.-207T>G (NM_001407694.1, NM_001407724.1, NM_001407727.1 and 11 more transcripts); c.-211T>G (NM_001407695.1, NM_001408465.1); c.-352T>G (NM_001407696.1); c.-236T>G (NM_001407697.1, NM_001407846.1, NM_001407920.1); c.-37T>G (NM_001407698.1, NM_001407732.1, NM_001407736.1 and 23 more transcripts); c.-210T>G (NM_001407725.1, NM_001407730.1, NM_001407734.1 and 22 more transcripts); and 23 more.
Identifiers: ClinVar variation 865040 (VCV000865040.3), dbSNP rs2055727513, ClinGen allele CA500131420.